The following is an entry in ClinVar:

NM_023935.3(DDRGK1):c.86C>T (p.Ala29Val)

Genes: DDRGK1 (DDRGK domain containing 1; minus strand), ITPA (inosine triphosphatase; plus strand), LOC130065321 (ATAC-STARR-seq lymphoblastoid active region 17476; plus strand). Cytogenetic location: 20p13.
Variant type: single nucleotide variant.
Coding change: c.86C>T on transcript NM_023935.3 (MANE Select); coding-DNA position 86, C replaced by T.
Protein change: p.Ala29Val; replaces alanine 29 with valine.
Molecular consequence: missense variant.
Genome position (GRCh38, 1-based): chr20:3,204,542, G>A on the plus strand (C>T on the coding strand, the complement: DDRGK1 is on the minus strand). VCF-style: chr20-3204542-G-A. GRCh37 (hg19) VCF-style: chr20-3185188-G-A.
Other names: c.86C>T (NM_023935.1); short protein forms A29V.
Identifiers: ClinVar variation 1953932 (VCV001953932.6), dbSNP rs990448500, ClinGen allele CA310957976.

ClinVar aggregate classification (germline): Uncertain significance. Review status: criteria provided, multiple submitters, no conflicts (2 of 4 stars). 2 submissions from 2 submitters: Uncertain significance (2). Last evaluated 2025-11-17.

Conditions:
Inborn genetic diseases. Identifiers: MedGen C0950123, MeSH D030342.

Allele frequency attached by ClinVar (database versions not stated): gnomAD 0.00003; TOPMed 0.00003.

Submissions (2):

Labcorp Genetics (formerly Invitae), Labcorp
Classification: Uncertain significance. Last evaluated: 2025-11-17. Review status: criteria provided, single submitter. Criteria: Invitae Variant Classification Sherloc (09022015). Collection method: clinical testing. Allele origin: germline.
Comment: This sequence change replaces alanine, which is neutral and non-polar, with valine, which is neutral and non-polar, at codon 29 of the DDRGK1 protein (p.Ala29Val). This variant is not present in population databases (gnomAD no frequency). This variant has not been reported in the literature in individuals affected with DDRGK1-related conditions. ClinVar contains an entry for this variant (Variation ID: 1953932). An algorithm developed to predict the effect of missense changes on protein structure and function outputs the following: PolyPhen-2: "Benign". The valine amino acid residue is found in multiple mammalian species, which suggests that this missense change does not adversely affect protein function. In summary, the available evidence is currently insufficient to determine the role of this variant in disease. Therefore, it has been classified as a Variant of Uncertain Significance.

Ambry Genetics
Classification: Uncertain significance for Inborn genetic diseases. Last evaluated: 2024-07-22. Review status: criteria provided, single submitter. Criteria: Ambry Variant Classification Scheme 2023. Collection method: clinical testing. Allele origin: germline.